The following is an entry in ClinVar:

NM_130797.4(DPP6):c.2323C>T (p.Arg775Ter)

Gene: DPP6 (dipeptidyl peptidase like 6; plus strand). Cytogenetic location: 7q36.2.
Variant type: single nucleotide variant.
Coding change: c.2323C>T on transcript NM_130797.4 (MANE Select); coding-DNA position 2323, C replaced by T.
Protein change: p.Arg775Ter; replaces arginine 775 with a stop codon.
Molecular consequence: nonsense. On other transcripts: non-coding transcript variant (2).
Genome position (GRCh38, 1-based): chr7:154,889,290, C>T. VCF-style: chr7-154889290-C-T. GRCh37 (hg19) VCF-style: chr7-154681000-C-T.
Other names: c.2131C>T, p.Arg711Ter (NM_001039350.3); c.2002C>T, p.Arg668Ter (NM_001290252.2); c.2140C>T, p.Arg714Ter (NM_001364497.2, NM_001364498.2, NM_001364499.2 and 1 more transcripts); c.2137C>T, p.Arg713Ter (NM_001936.5); short protein forms R668*, R711*, R713*, R714*, R775*.
Identifiers: ClinVar variation 4851410 (VCV004851410.1).
Genomic context (GRCh38, chr7:154,889,290, plus strand): 5'-GTGCAGCCCCCTAACTCTGTCCCCTTGCCCCCGCATGTGCAGATGACCAAGGTAGCCCAT[C>T]GAGTCTCCGCGCTGGAAGAACAGCAGTTCCTGATCATTCATCCCACTGCCGATGGTAAGG-3'

ClinVar aggregate classification (germline): Likely pathogenic (1 of 4 stars; one submission).

Conditions:
Intellectual developmental disorder, autosomal dominant 33. Also called: Intellectual disability, autosomal dominant 33. Identifiers: MedGen C4225375, MONDO:0014580, OMIM 616311.

Submission:

Institute of Immunology and Genetics Kaiserslautern
Classification: Likely pathogenic for Intellectual developmental disorder, autosomal dominant 33. Last evaluated: 2023-01-25. Review status: criteria provided, single submitter. Criteria: ACMG Guidelines, 2015. Collection method: clinical testing. Allele origin: germline. Affected: yes.
Comment: ACMG Criteria: PM2, PVS1; Variant was found in heterozygous state.